The following is an entry in ClinVar:

ClinVar aggregate classification (germline): Pathogenic (1 of 4 stars; one submission).

Conditions:
Bardet-Biedl syndrome (BBS). Identifiers: Orphanet 110, MedGen C0752166, MONDO:0015229.

Submission:

Labcorp Genetics (formerly Invitae), Labcorp
Classification: Pathogenic for Bardet-Biedl syndrome. Last evaluated: 2020-01-28. Review status: criteria provided, single submitter. Criteria: Invitae Variant Classification Sherloc (09022015). Collection method: clinical testing. Allele origin: germline.
Comment: This variant is not present in population databases (ExAC no frequency). This sequence change results in a premature translational stop signal in the BBS12 gene (p.Leu569Cysfs*69). While this is not anticipated to result in nonsense mediated decay, it is expected to disrupt the last 142 amino acids of the BBS12 protein. This variant has not been reported in the literature in individuals with BBS12-related conditions. This variant disrupts the C-terminus of the BBS12 protein. Other variant(s) that disrupt this region (p.Arg675*) have been determined to be pathogenic (PMID: 20827784, 21642631). This suggests that variants that disrupt this region of the protein are likely to be causative of disease. For these reasons, this variant has been classified as Pathogenic.

Literature cited by the submitters: PubMed 20827784; PubMed 21642631.

NM_152618.3(BBS12):c.1705del (p.Leu569fs)

Gene: BBS12 (Bardet-Biedl syndrome 12; plus strand). Cytogenetic location: 4q27.
Variant type: Deletion.
Coding change: c.1705del on transcript NM_152618.3 (MANE Select); coding-DNA position 1705, one base deleted (C; older notation c.1705delC).
Protein change: p.Leu569fs; shifts the reading frame from leucine 569.
Molecular consequence: frameshift variant.
Genome position (GRCh38, 1-based): chr4:122,743,597, C deleted. VCF-style (leftmost placement, unchanged base first): chr4-122743596-GC-G. GRCh37 (hg19) VCF-style: chr4-123664751-GC-G.
Other names: c.1705del, p.Leu569fs (NM_001178007.2); short protein forms L569fs.
Identifiers: ClinVar variation 1070921 (VCV001070921.5), dbSNP rs2150737655, ClinGen allele CA2499217077.